The following is an entry in ClinVar:

ClinVar aggregate classification (germline): Uncertain significance (1 of 4 stars; one submission).

Conditions:
Cardiovascular phenotype. Identifiers: MedGen CN230736.
Hereditary cancer-predisposing syndrome. Also called: Hereditary Cancer Syndrome; Hereditary neoplastic syndrome; Neoplastic Syndromes, Hereditary; Tumor predisposition. Identifiers: Orphanet 140162, MedGen C0027672, MeSH D009386, MONDO:0015356.

Allele frequency attached by ClinVar (database versions not stated): gnomAD exomes below 0.00001.
gnomAD v4.1: 1 of 1,607,300 alleles (0.000062%); highest among the groups gnomAD compares: Non-Finnish European, 0.000085%; no homozygotes.

Submission:

Ambry Genetics
Classification: Uncertain significance for Cardiovascular phenotype; Hereditary cancer-predisposing syndrome. Last evaluated: 2020-03-17. Review status: criteria provided, single submitter. Criteria: Ambry Variant Classification Scheme 2023. Collection method: clinical testing. Allele origin: germline.
Comment: The p.A394P variant (also known as c.1180G>C), located in coding exon 11 of the LZTR1 gene, results from a G to C substitution at nucleotide position 1180. The alanine at codon 394 is replaced by proline, an amino acid with highly similar properties. This amino acid position is highly conserved in available vertebrate species. In addition, the in silico prediction for this alteration is inconclusive. Since supporting evidence is limited at this time, the clinical significance of this alteration remains unclear.

NM_006767.4(LZTR1):c.1180G>C (p.Ala394Pro)

Gene: LZTR1 (leucine zipper like post translational regulator 1; plus strand). Cytogenetic location: 22q11.21.
Variant type: single nucleotide variant.
Coding change: c.1180G>C on transcript NM_006767.4 (MANE Select); coding-DNA position 1180, G replaced by C.
Protein change: p.Ala394Pro; replaces alanine 394 with proline.
Molecular consequence: missense variant.
Genome position (GRCh38, 1-based): chr22:20,992,824, G>C. VCF-style: chr22-20992824-G-C. GRCh37 (hg19) VCF-style: chr22-21347113-G-C.
Other names: short protein forms A394P.
Identifiers: ClinVar variation 1742177 (VCV001742177.2), dbSNP rs2518618780, ClinGen allele CA410773747.